The following is an entry in ClinVar:

NC_000009.12:g.34646581A>C

Gene: GALT (galactose-1-phosphate uridylyltransferase; plus strand). Cytogenetic location: 9p13.3.
Variant type: single nucleotide variant.
Genome position: GRCh38 VCF-style: chr9-34646581-A-C. GRCh37 (hg19) VCF-style: chr9-34646578-A-C.
Identifiers: ClinVar variation 1918382 (VCV001918382.5), dbSNP rs1366467657, ClinGen allele CA2580080361.

ClinVar aggregate classification (germline): Uncertain significance (1 of 4 stars; one submission).

Conditions:
Deficiency of UDPglucose-hexose-1-phosphate uridylyltransferase. Also called: Transferase Deficiency Galactosemia; GALACTOSE-1-PHOSPHATE URIDYLYLTRANSFERASE DEFICIENCY; GALT deficiency; Galactosemia, classic; GALACTOSEMIA I. Identifiers: Orphanet 352, Orphanet 79239, MedGen C0268151, MONDO:0009258, OMIM 230400.

Submission:

Labcorp Genetics (formerly Invitae), Labcorp
Classification: Uncertain significance for Deficiency of UDPglucose-hexose-1-phosphate uridylyltransferase. Last evaluated: 2023-12-11. Review status: criteria provided, single submitter. Criteria: Invitae Variant Classification Sherloc (09022015). Collection method: clinical testing. Allele origin: germline.
Comment: This variant occurs in a non-coding region of the GALT gene. It does not change the encoded amino acid sequence of the GALT protein. This variant is not present in population databases (gnomAD no frequency). This variant has not been reported in the literature in individuals affected with GALT-related conditions. Experimental studies and prediction algorithms are not available or were not evaluated, and the functional significance of this variant is currently unknown. In summary, the available evidence is currently insufficient to determine the role of this variant in disease. Therefore, it has been classified as a Variant of Uncertain Significance.